The following is an entry in ClinVar:

ClinVar aggregate classification (germline): Uncertain significance (1 of 4 stars; one submission).

Conditions:
Charcot-Marie-Tooth disease axonal type 2P. Also called: Charcot-Marie-Tooth Neuropathy Type 2G; CHARCOT-MARIE-TOOTH NEUROPATHY, TYPE 2P; CHARCOT-MARIE-TOOTH DISEASE, AXONAL, TYPE 2G; CMT 2G. Identifiers: Orphanet 300319, Orphanet 99941, MedGen C3280797, MONDO:0013753, OMIM 614436.

Submission:

Labcorp Genetics (formerly Invitae), Labcorp
Classification: Uncertain significance for Charcot-Marie-Tooth disease axonal type 2P. Last evaluated: 2020-09-08. Review status: criteria provided, single submitter. Criteria: Invitae Variant Classification Sherloc (09022015). Collection method: clinical testing. Allele origin: germline.
Comment: In summary, the available evidence is currently insufficient to determine the role of this variant in disease. Therefore, it has been classified as a Variant of Uncertain Significance. Nucleotide substitutions within the consensus splice site are a relatively common cause of aberrant splicing (PMID: 17576681, 9536098). Algorithms developed to predict the effect of sequence changes on RNA splicing suggest that this variant may disrupt the consensus splice site, but this prediction has not been confirmed by published transcriptional studies. This variant has not been reported in the literature in individuals with LRSAM1-related conditions. This variant is not present in population databases (ExAC no frequency). This sequence change affects a donor splice site in the last intron (intron 24) of the LRSAM1 gene. While this is not anticipated to result in nonsense mediated decay, it likely alters RNA splicing and results in a disrupted protein product.

Literature cited by the submitters: PubMed 17576681; PubMed 9536098.

NM_001005373.4(LRSAM1):c.2046_2046+12del

Gene: LRSAM1 (leucine rich repeat and sterile alpha motif containing 1; plus strand). Cytogenetic location: 9q34.11.
Variant type: Deletion.
Coding change: c.2046_2046+12del on transcript NM_001005373.4 (MANE Select); coding-DNA position 2046 through 12 bases into the intron after coding-DNA position 2046, 13 bases deleted (GGTAAGTCCGGGG).
Molecular consequence: splice donor variant.
Genome position (GRCh38, 1-based): chr9:127,501,143-127,501,155, GGTAAGTCCGGGG deleted. VCF-style (leftmost placement, unchanged base first): chr9-127501142-AGGTAAGTCCGGGG-A. GRCh37 (hg19) VCF-style: chr9-130263421-AGGTAAGTCCGGGG-A.
Other names: c.2046_2046+12del (NM_138361.5, NM_001384142.1, NM_001005374.4); c.1947_1947+12del (NM_001384143.1); c.1965_1965+12del (NM_001190723.3); c.1257_1257+12del (NM_001384144.1).
Identifiers: ClinVar variation 1052525 (VCV001052525.7), dbSNP rs2132128595, ClinGen allele CA2499219618.